The following is an entry in ClinVar:

NM_000089.4(COL1A2):c.2681C>T (p.Pro894Leu)

Gene: COL1A2 (collagen type I alpha 2 chain; plus strand). Cytogenetic location: 7q21.3.
Variant type: single nucleotide variant.
Coding change: c.2681C>T on transcript NM_000089.4 (MANE Select); coding-DNA position 2681, C replaced by T.
Protein change: p.Pro894Leu; replaces proline 894 with leucine.
Molecular consequence: missense variant.
Genome position (GRCh38, 1-based): chr7:94,425,124, C>T. VCF-style: chr7-94425124-C-T. GRCh37 (hg19) VCF-style: chr7-94054436-C-T.
Other names: short protein forms P894L.
Identifiers: ClinVar variation 3748856 (VCV003748856.2).

ClinVar aggregate classification (germline): Uncertain significance (1 of 4 stars; one submission).

Conditions:
Ehlers-Danlos syndrome, classic type, 1 (EDSCL1). Also called: EHLERS-DANLOS SYNDROME, GRAVIS TYPE; EHLERS-DANLOS SYNDROME, SEVERE CLASSIC TYPE; Ehlers-Danlos syndrome, type 1; Ehlers-Danlos Syndrome, Classic Type, COL5A1-Related; EDS I. Identifiers: MedGen C0268335, MONDO:0019567, OMIM 130000.
Osteogenesis imperfecta type I (OI1). Also called: OI, TYPE I; OSTEOGENESIS IMPERFECTA TARDA; OSTEOGENESIS IMPERFECTA WITH BLUE SCLERAE; Osteogenesis imperfecta type 1; Lobstein's Disease; Lobstein disease. Identifiers: Orphanet 216796, Orphanet 666, MedGen C0023931, MONDO:0008146, OMIM 166200. Disease mechanism: loss of function.

gnomAD v4.1: 1 of 1,613,918 alleles (0.000062%); highest among the groups gnomAD compares: African/African-American, 0.0013%; no homozygotes.

Submission:

Labcorp Genetics (formerly Invitae), Labcorp
Classification: Uncertain significance for Osteogenesis imperfecta type I; Ehlers-Danlos syndrome, classic type, 1. Last evaluated: 2025-01-27. Review status: criteria provided, single submitter. Criteria: Invitae Variant Classification Sherloc (09022015). Collection method: clinical testing. Allele origin: germline.
Comment: This sequence change replaces proline, which is neutral and non-polar, with leucine, which is neutral and non-polar, at codon 894 of the COL1A2 protein (p.Pro894Leu). This variant is not present in population databases (gnomAD no frequency). This variant has not been reported in the literature in individuals affected with COL1A2-related conditions. Invitae Evidence Modeling of protein sequence and biophysical properties (such as structural, functional, and spatial information, amino acid conservation, physicochemical variation, residue mobility, and thermodynamic stability) indicates that this missense variant is not expected to disrupt COL1A2 protein function with a negative predictive value of 80%. In summary, the available evidence is currently insufficient to determine the role of this variant in disease. Therefore, it has been classified as a Variant of Uncertain Significance.